The following is an entry in ClinVar:

NM_004795.4(KL):c.2245G>T (p.Ala749Ser)

Gene: KL (klotho; plus strand). Cytogenetic location: 13q13.1.
Variant type: single nucleotide variant.
Coding change: c.2245G>T on transcript NM_004795.4 (MANE Select); coding-DNA position 2245, G replaced by T.
Protein change: p.Ala749Ser; replaces alanine 749 with serine.
Molecular consequence: missense variant.
Genome position (GRCh38, 1-based): chr13:33,061,324, G>T. VCF-style: chr13-33061324-G-T. GRCh37 (hg19) VCF-style: chr13-33635461-G-T.
Other names: short protein forms A749S.
Identifiers: ClinVar variation 1368190 (VCV001368190.6), dbSNP rs372720628, ClinGen allele CA6944271.

ClinVar aggregate classification (germline): Uncertain significance (1 of 4 stars; one submission).

Allele frequency attached by ClinVar (database versions not stated): gnomAD exomes 0.00004 and 0.00011; ExAC 0.00008; ESP Exome Variant Server 0.00015; 1000 Genomes Project 0.00020; 1000 Genomes Project 30x 0.00031; gnomAD 0.00038 and 0.00041; TOPMed 0.00048.
gnomAD v4.1: 122 of 1,614,232 alleles (0.0076%); highest among the groups gnomAD compares: African/African-American, 0.14%; no homozygotes.

Submission:

Labcorp Genetics (formerly Invitae), Labcorp
Classification: Uncertain significance. Last evaluated: 2025-03-20. Review status: criteria provided, single submitter. Criteria: Invitae Variant Classification Sherloc (09022015). Collection method: clinical testing. Allele origin: germline.
Comment: This sequence change replaces alanine, which is neutral and non-polar, with serine, which is neutral and polar, at codon 749 of the KL protein (p.Ala749Ser). This variant is present in population databases (rs372720628, gnomAD 0.1%), and has an allele count higher than expected for a pathogenic variant. This variant has not been reported in the literature in individuals affected with KL-related conditions. ClinVar contains an entry for this variant (Variation ID: 1368190). Invitae Evidence Modeling of protein sequence and biophysical properties (such as structural, functional, and spatial information, amino acid conservation, physicochemical variation, residue mobility, and thermodynamic stability) indicates that this missense variant is not expected to disrupt KL protein function with a negative predictive value of 80%. In summary, the available evidence is currently insufficient to determine the role of this variant in disease. Therefore, it has been classified as a Variant of Uncertain Significance.